The following is an entry in ClinVar:

ClinVar aggregate classification (germline): Benign. Review status: criteria provided, multiple submitters, no conflicts (2 of 4 stars). 2 submissions from 2 submitters: Benign (2). Last evaluated 2024-12-20.

Conditions:
COG7 congenital disorder of glycosylation (CDG2E). Also called: CONGENITAL DISORDER OF GLYCOSYLATION, TYPE IIe; CDG IIe. Identifiers: Orphanet 79333, MedGen C2931010, MONDO:0012118, OMIM 608779.

Submissions (2):

Mayo Clinic Laboratories, Mayo Clinic
Classification: Benign. Last evaluated: 2024-12-20. Review status: criteria provided, single submitter. Criteria: ACMG Guidelines, 2015. Collection method: clinical testing. Allele origin: germline. Observed: 47 variant alleles.
Comment: BA1, BP4, BP7

Labcorp Genetics (formerly Invitae), Labcorp
Classification: Benign for COG7 congenital disorder of glycosylation. Last evaluated: 2019-12-31. Review status: criteria provided, single submitter. Criteria: Invitae Variant Classification Sherloc (09022015). Collection method: clinical testing. Allele origin: germline.

NM_153603.4(COG7):c.170-10_170-9del

Gene: COG7 (component of oligomeric golgi complex 7; minus strand). Cytogenetic location: 16p12.2.
Variant type: Deletion.
Coding change: c.170-10_170-9del on transcript NM_153603.4 (MANE Select); 10 bases into the intron before coding-DNA position 170 through 9 bases into the intron before coding-DNA position 170, 2 bases deleted (TT; older notation c.170-10_170-9delTT).
Molecular consequence: intron variant.
Genome position (GRCh38, 1-based): chr16:23,445,970-23,445,971, AA deleted on the plus strand (TT on the coding strand, the reverse complement: COG7 is on the minus strand); deleting any 2 consecutive bases within chr16:23,445,970-23,445,986 gives the same sequence; the c. name uses the placement nearest the transcript's 3' end. VCF-style (leftmost placement, unchanged base first): chr16-23445969-TAA-T. GRCh37 (hg19) VCF-style: chr16-23457290-TAA-T.
Other names: p.?.
Identifiers: ClinVar variation 701826 (VCV000701826.5), dbSNP rs71379679, ClinGen allele CA7961369.